The following is an entry in ClinVar:

NM_007118.4(TRIO):c.3944T>C (p.Met1315Thr)

Gene: TRIO (trio Rho guanine nucleotide exchange factor; plus strand). Cytogenetic location: 5p15.2.
Variant type: single nucleotide variant.
Coding change: c.3944T>C on transcript NM_007118.4 (MANE Select); coding-DNA position 3944, T replaced by C.
Protein change: p.Met1315Thr; replaces methionine 1315 with threonine.
Molecular consequence: missense variant. On other transcripts: non-coding transcript variant (1).
Genome position (GRCh38, 1-based): chr5:14,388,675, T>C. VCF-style: chr5-14388675-T-C. GRCh37 (hg19) VCF-style: chr5-14388784-T-C.
Other names: short protein forms M1315T.
Identifiers: ClinVar variation 2430703 (VCV002430703.1), dbSNP rs1373713920, ClinGen allele CA359229125.

ClinVar aggregate classification (germline): Uncertain significance (1 of 4 stars; one submission).

Allele frequency attached by ClinVar (database versions not stated): TOPMed below 0.00001.

Submission:

GeneDx
Classification: Uncertain significance. Last evaluated: 2022-08-25. Review status: criteria provided, single submitter. Criteria: GeneDx Variant Classification Process June 2021. Collection method: clinical testing. Allele origin: germline. Affected: yes.
Comment: Not observed at significant frequency in large population cohorts (gnomAD); In silico analysis supports that this missense variant has a deleterious effect on protein structure/function; Has not been previously published as pathogenic or benign to our knowledge